The following is an entry in ClinVar:

NM_001114753.3(ENG):c.249G>T (p.Gln83His)

Gene: ENG (endoglin; minus strand). Cytogenetic location: 9q34.11.
Variant type: single nucleotide variant.
Coding change: c.249G>T on transcript NM_001114753.3 (MANE Select); coding-DNA position 249, G replaced by T.
Protein change: p.Gln83His; replaces glutamine 83 with histidine.
Molecular consequence: missense variant. On other transcripts: 5 prime UTR variant (1).
Genome position (GRCh38, 1-based): chr9:127,829,798, C>A on the plus strand (G>T on the coding strand, the complement: ENG is on the minus strand). VCF-style: chr9-127829798-C-A. GRCh37 (hg19) VCF-style: chr9-130592077-C-A.
Other names: c.249G>T, p.Gln83His (NM_000118.4, NM_001406715.1); c.-298G>T (NM_001278138.2); short protein forms Q83H.
Identifiers: ClinVar variation 1792187 (VCV001792187.2), dbSNP rs2539083308, ClinGen allele CA374986334.

ClinVar aggregate classification (germline): Uncertain significance (1 of 4 stars; one submission).

Conditions:
Cardiovascular phenotype. Identifiers: MedGen CN230736.

Submission:

Ambry Genetics
Classification: Uncertain significance for Cardiovascular phenotype. Last evaluated: 2022-05-27. Review status: criteria provided, single submitter. Criteria: Ambry Variant Classification Scheme 2023. Collection method: clinical testing. Allele origin: germline.
Comment: The p.Q83H variant (also known as c.249G>T), located in coding exon 3 of the ENG gene, results from a G to T substitution at nucleotide position 249. The glutamine at codon 83 is replaced by histidine, an amino acid with highly similar properties. This amino acid position is well conserved in available vertebrate species. In addition, this alteration is predicted to be tolerated by in silico analysis. Since supporting evidence is limited at this time, the clinical significance of this alteration remains unclear.